The following is an entry in ClinVar:

NM_003839.4(TNFRSF11A):c.328dup (p.Arg110fs)

Gene: TNFRSF11A (TNF receptor superfamily member 11a; plus strand). Cytogenetic location: 18q21.33.
Variant type: Duplication.
Coding change: c.328dup on transcript NM_003839.4 (MANE Select); coding-DNA position 328, one base duplicated (C; older notation c.328dupC).
Protein change: p.Arg110fs; shifts the reading frame from arginine 110.
Molecular consequence: frameshift variant.
Genome position (GRCh38, 1-based): chr18:62,354,435, C duplicated; the last of 6 consecutive C bases (chr18:62,354,430-62,354,435); duplicating any one gives the same sequence. VCF-style (leftmost placement, unchanged base first): chr18-62354429-A-AC. GRCh37 (hg19) VCF-style: chr18-60021662-A-AC.
Other names: c.328dup, p.Arg110fs (NM_001270949.2, NM_001270950.2, NM_001270951.2 and 1 more transcripts); c.322_323insC (NM_003839.4); short protein forms R110fs.
Identifiers: ClinVar variation 2500800 (VCV002500800.1), dbSNP rs2145308907, ClinGen allele CA630113462.

ClinVar aggregate classification (germline): Likely pathogenic (1 of 4 stars; one submission).

Conditions:
Autosomal recessive osteopetrosis 7. Identifiers: Orphanet 178389, MedGen C2676766, MONDO:0012859, OMIM 612301.

Submission:

Lifecell International Pvt. Ltd
Classification: Likely pathogenic for Autosomal recessive osteopetrosis 7. Review status: criteria provided, single submitter. Criteria: ACMG Guidelines, 2015. Collection method: clinical testing. Allele origin: germline. Inheritance: Autosomal recessive inheritance. Affected: yes. Observed: 1 homozygote.
Comment: A Homozygous Frameshift variant c.322_323insC in Exon 4 of the TNFRSF11A gene that results in the consequent premature termination of the protein (p.Arg110fs*52) was identified. The observed variant has a minor allele frequency of 0.00% in gnomAD exomes and genomes, respectively. The severity of the impact of this variant on the protein is high, based onthe effect of the protein and REVEL score . Rare Exome Variant Ensemble Learner (REVEL) is an ensembl method for predicting the pathogenicity of missense variants based on acombination of scores from 13 individual tools: MutPred, FATHMM v2.3, VEST 3.0, PolyPhen-2, SIFT, PROVEAN, MutationAssessor, MutationTaster, LRT, GERP++, SiPhy, phyloP,and phastCons. The REVEL score for an individual missense variant can range from 0 to 1, with higher scores reflecting greater likelihood that the variant is disease-causing. ClinVar hasalso classified this variant as .Based on the above evidence this variant has been classified as Likely Pathogenic according to the ACMG guidelines.